The following is an entry in ClinVar:

NM_000152.5(GAA):c.2662G>T (p.Glu888Ter)

Gene: GAA (alpha glucosidase; plus strand). Cytogenetic location: 17q25.3.
Variant type: single nucleotide variant.
Coding change: c.2662G>T on transcript NM_000152.5 (MANE Select); coding-DNA position 2662, G replaced by T.
Protein change: p.Glu888Ter; replaces glutamic acid 888 with a stop codon.
Molecular consequence: nonsense.
Genome position (GRCh38, 1-based): chr17:80,118,668, G>T. VCF-style: chr17-80118668-G-T. GRCh37 (hg19) VCF-style: chr17-78092467-G-T.
Other names: c.2662G>T (NM_000152.4, LRG_673t1); c.2662G>T, p.Glu888Ter (NM_001079803.3, NM_001079804.3); short protein forms E888*.
Identifiers: ClinVar variation 578595 (VCV000578595.70), dbSNP rs765718882, ClinGen allele CA8815829.

ClinVar aggregate classification (germline): Pathogenic. Review status: reviewed by expert panel (3 of 4 stars). 14 submissions from 14 submitters: Pathogenic (1). 13 of the submissions do not count toward it. Last evaluated 2020-05-04.

Conditions:
Glycogen storage disease, type II (IOPD). Also called: Pompe Disease; CARDIOMEGALIA GLYCOGENICA DIFFUSA; GSD II; GLYCOGENOSIS, GENERALIZED, CARDIAC FORM; Glycogen storage disease type 2; Acid maltase deficiency disease. Identifiers: Orphanet 365, MedGen C0017921, MONDO:0009290, OMIM 232300.
Glycogen storage disease due to acid maltase deficiency, late-onset (LOPD). Also called: GLYCOGEN STORAGE DISEASE II, LATE-ONSET; ACID ALPHA-GLUCOSIDASE DEFICIENCY, LATE-ONSET; GAA DEFICIENCY, LATE-ONSET; ACID MALTASE DEFICIENCY, LATE-ONSET; AMD, LATE-ONSET; POMPE DISEASE, LATE-ONSET. Identifiers: Orphanet 420429, MedGen C0342753, MONDO:0018485, OMIM 621314.

Allele frequency attached by ClinVar (database versions not stated): TOPMed below 0.00001; gnomAD 0.00001; ExAC 0.00002; gnomAD exomes 0.00002.
gnomAD v4.1: 10 of 1,612,542 alleles (0.00062%); highest among the groups gnomAD compares: East Asian, 0.013%; no homozygotes.

Submissions 1 to 10 of 14:

ClinGen Lysosomal Storage Disorder Variant Curation Expert Panel
Classification: Pathogenic for Glycogen storage disease, type II. Last evaluated: 2020-05-04. Review status: reviewed by expert panel. Criteria: ClinGen LSD ACMG Specifications v1. Collection method: curation. Allele origin: germline. Inheritance: Autosomal recessive inheritance.
Comment: This variant, c.2662G>T (p.Glu888Ter), is a nonsense variant that is predicted to result in nonsense-mediated decay and lack of gene product, meeting PVS1. The highest population minor allele frequency in gnomAD v2.1.1 is 0.00027 in the East Asian population, meeting PM2. At least 6 patients have been reported with this variant and deficiency of GAA activity meeting the ClinGen LSD VCEP's PP4 specifications. One of these individuals is compound heterozygous for the variant and c.-32-13T>G, phase unknown (PMID 16531044), and another is homozygous for the variant (PMID 17723315). This data meets PM3. Other individuals meeting PP4 specifications are compound heterozygous for the variant and either c.1574T>A (p.Phe525Tyr) (PMID 21232767), c.1935C>A (p.Asp645Glu) (PMID 18458862), or c.2238G>C (p.Trp746Cys) (PMID 25526786). However in each case, the in trans data from these patients will be used in the assessment of the other variant and was not used here in order to avoid a circular argument. Additional cases with the variant have been reported but were not included because the residual GAA activity was not provided, and therefore PP4 cannot be assessed (PMIDs 24269976, 25455803, 25626711, 27417441, 28394184, 31743840), or the patient carried a pseudodeficiency allele (PMID 21232767). There is a ClinVar entry for this variant (Variation ID: 578595) with two submitters classifying the variant as pathogenic. In summary, this variant meets the criteria to be classified as pathogenic for Pompe disease. GAA-specific ACMG/AMP criteria applied, as specified by the ClinGen LSD VCEP: PVS1, PM2, PM3, PP4.

Genomenon, Inc
Classification: Pathogenic for Glycogen storage disease, type II. Last evaluated: 2026-07-01. Review status: criteria provided, single submitter. Criteria: Genomenon Sequence Variant Interpretation Standards - Updated. Collection method: curation. Allele origin: germline. Affected: yes. Not counted in ClinVar's aggregate classification.
Comment: GAA p.Glu888Ter (c.2662G>T) is a nonsense variant that introduces a premature stop codon at amino acid position 888 and is predicted to result in a truncated or absent protein product. This variant has been observed in at least one proband with a GAA-related disorder (PMID:39010129;38739391;38450370;38162137;37542277;36105079;35833019;35705384;33073009;32849613). It is absent or not present at a significant frequency in gnomAD. In conclusion, we classify GAA p.Glu888Ter (c.2662G>T) as a pathogenic variant.

3billion
Classification: Pathogenic for Glycogen storage disease, type II. Last evaluated: 2025-08-25. Review status: criteria provided, single submitter. Criteria: ACMG Guidelines, 2015. Collection method: clinical testing. Allele origin: germline. Affected: yes. Not counted in ClinVar's aggregate classification.
Comment: The variant is observed at an extremely low frequency in the gnomAD v4.1.0 dataset (total allele frequency: <0.001%). Predicted Consequence/Location: Stop-gained (nonsense): predicted to result in a loss or disruption of normal protein function through nonsense-mediated decay (NMD) or protein truncation. Multiple pathogenic variants are reported downstream of the variant. The variant has been reported to be in trans with a pathogenic variant as either compound heterozygous or homozygous in at least one similarly affected unrelated individual (PMID: 16531044, 17723315). The variant has been reported multiple times as an established pathogenic variant (ClinVar ID: VCV000578595 /PMID: 17723315 /3billion dataset). Therefore, this variant is classified as Pathogenic according to the recommendation of ACMG/AMP guideline.

Natera, Inc.
Classification: Pathogenic for Glycogen storage disease type II. Last evaluated: 2025-03-03. Review status: criteria provided, single submitter. Criteria: Natera Variant Classification Schema (03/2026). Collection method: clinical testing. Allele origin: germline. Not counted in ClinVar's aggregate classification.
Comment: The c.2662G>T variant in GAA is a nonsense variant predicted to introduce a stop codon at amino acid 888. This variant is expected to result in nonsense mediated decay, truncation, or a dysfunctional protein product. This variant is rare in the general population with a frequency below the threshold expected for the associated phenotype(s). This variant has been observed in one or more individuals affected with the associated recessive disease, as either homozygous or compound heterozygous with a second variant (PMID: 17723315, 20080426). Given the available evidence, this variant is classified as Pathogenic.

Labcorp Genetics (formerly Invitae), Labcorp
Classification: Pathogenic for Glycogen storage disease, type II. Last evaluated: 2024-12-22. Review status: criteria provided, single submitter. Criteria: Invitae Variant Classification Sherloc (09022015). Collection method: clinical testing. Allele origin: germline. Not counted in ClinVar's aggregate classification.
Comment: This sequence change creates a premature translational stop signal (p.Glu888*) in the GAA gene. It is expected to result in an absent or disrupted protein product. Loss-of-function variants in GAA are known to be pathogenic (PMID: 18425781, 22252923). This variant is present in population databases (rs765718882, gnomAD 0.03%). This premature translational stop signal has been observed in individuals with glycogen storage disease, type II (GSDII), also known as Pompe disease (PMID: 16531044, 17723315, 18458862, 20080426, 21644219, 28032299, 28394184). ClinVar contains an entry for this variant (Variation ID: 578595). For these reasons, this variant has been classified as Pathogenic.

Fulgent Genetics
Classification: Pathogenic for Glycogen storage disease, type II. Last evaluated: 2024-04-12. Review status: criteria provided, single submitter. Criteria: ACMG Guidelines, 2015. Collection method: clinical testing. Allele origin: germline. Not counted in ClinVar's aggregate classification.

Revvity Omics, Revvity
Classification: Pathogenic. Last evaluated: 2024-01-28. Review status: criteria provided, single submitter. Criteria: ACMG Guidelines, 2015. Collection method: clinical testing. Allele origin: germline. Not counted in ClinVar's aggregate classification.

Kariminejad - Najmabadi Pathology & Genetics Center
Classification: Pathogenic for Glycogen storage disease, type II. Last evaluated: 2022-08-19. Review status: criteria provided, single submitter. Criteria: ACMG Guidelines, 2015. Collection method: clinical testing. Allele origin: germline. Inheritance: Autosomal recessive inheritance. Affected: yes. Not counted in ClinVar's aggregate classification.
Comment: PVS1, PM2, PM3, PP4

MGZ Medical Genetics Center
Classification: Pathogenic for Glycogen storage disease, type II. Last evaluated: 2022-06-24. Review status: criteria provided, single submitter. Criteria: ACMG Guidelines, 2015. Collection method: clinical testing. Allele origin: germline. Affected: yes. Observed: 1 variant allele. Not counted in ClinVar's aggregate classification.
Comment: ACMG criteria applied: PVS1, PM3, PM2_SUP, PP4

GeneDx
Classification: Pathogenic. Last evaluated: 2020-12-07. Review status: criteria provided, single submitter. Criteria: GeneDx Variant Classification Process June 2021. Collection method: clinical testing. Allele origin: germline. Affected: yes. Not counted in ClinVar's aggregate classification.
Comment: Nonsense variant predicted to result in protein truncation or nonsense mediated decay in a gene for which loss-of-function is a known mechanism of disease; This variant is associated with the following publications: (PMID: 32711049, 30275481, 31743840, 31086307, 28032299, 20080426, 25626711, 17723315, 27417441, 25455803, 25526786, 24269976, 18458862, 30943998, 16531044, 21644219, 25525159, 28394184, 21232767)